The following is an entry in ClinVar:

NM_012079.6(DGAT1):c.149C>A (p.Ala50Asp)

Genes: DGAT1 (diacylglycerol O-acyltransferase 1; minus strand), LOC130001385 (ATAC-STARR-seq lymphoblastoid silent region 19672; plus strand). Cytogenetic location: 8q24.3.
Variant type: single nucleotide variant.
Coding change: c.149C>A on transcript NM_012079.6 (MANE Select); coding-DNA position 149, C replaced by A.
Protein change: p.Ala50Asp; replaces alanine 50 with aspartic acid.
Molecular consequence: missense variant.
Genome position (GRCh38, 1-based): chr8:144,326,488, G>T on the plus strand (C>A on the coding strand, the complement: DGAT1 is on the minus strand). VCF-style: chr8-144326488-G-T. GRCh37 (hg19) VCF-style: chr8-145550151-G-T.
Other names: short protein forms A50D.
Identifiers: ClinVar variation 1061729 (VCV001061729.3), dbSNP rs781837106, ClinGen allele CA4937151.

ClinVar aggregate classification (germline): Uncertain significance. Review status: criteria provided, multiple submitters, no conflicts (2 of 4 stars). 2 submissions from 2 submitters: Uncertain significance (2). Last evaluated 2022-10-17.

Allele frequency attached by ClinVar (database versions not stated): 1000 Genomes Project 30x 0.00031.

Submissions (2):

Labcorp Genetics (formerly Invitae), Labcorp
Classification: Uncertain significance. Last evaluated: 2022-10-17. Review status: criteria provided, single submitter. Criteria: Invitae Variant Classification Sherloc (09022015). Collection method: clinical testing. Allele origin: germline.
Comment: This sequence change replaces alanine, which is neutral and non-polar, with aspartic acid, which is acidic and polar, at codon 50 of the DGAT1 protein (p.Ala50Asp). This variant is present in population databases (rs781837106, gnomAD 0.06%). This variant has not been reported in the literature in individuals affected with DGAT1-related conditions. ClinVar contains an entry for this variant (Variation ID: 1061729). Advanced modeling of protein sequence and biophysical properties (such as structural, functional, and spatial information, amino acid conservation, physicochemical variation, residue mobility, and thermodynamic stability) performed at Invitae indicates that this missense variant is not expected to disrupt DGAT1 protein function. In summary, the available evidence is currently insufficient to determine the role of this variant in disease. Therefore, it has been classified as a Variant of Uncertain Significance.

Breakthrough Genomics
Classification: Uncertain significance. Review status: criteria provided, single submitter. Criteria: ACMG Guidelines, 2015. Collection method: not provided. Allele origin: germline. Inheritance: Autosomal recessive inheritance. Affected: yes.